The following is an entry in ClinVar:

ClinVar aggregate classification (germline): Likely pathogenic. Review status: no assertion criteria provided (0 of 4 stars). 2 submissions from 2 submitters: Likely pathogenic (2). Last evaluated 2024-03-01.

Conditions:
Optic atrophy with or without deafness, ophthalmoplegia, myopathy, ataxia, and neuropathy. Also called: OPTIC ATROPHY PLUS SYNDROME. Identifiers: MedGen C3276549, MONDO:0007429, OMIM 125250.
OPA1-related disorder. Also called: OPA1-related condition; OPA1-related disorders.

Submissions (2):

PreventionGenetics, part of Exact Sciences
Classification: Likely pathogenic for OPA1-related condition. Last evaluated: 2024-03-01. Review status: no assertion criteria provided. Collection method: clinical testing. Allele origin: germline.
Comment: The OPA1 c.1728_1734del7 variant is predicted to result in a frameshift and premature protein termination (p.Glu576Aspfs*7). To our knowledge, this variant has not been reported in the literature or in a large population database, indicating this variant is rare. Frameshift variants in OPA1 are expected to be pathogenic. This variant is interpreted as likely pathogenic.

Genomics England Pilot Project, Genomics England
Classification: Likely pathogenic for Optic atrophy with or without deafness, ophthalmoplegia, myopathy, ataxia, and neuropathy. Review status: no assertion criteria provided. Criteria: ACGS Guidelines, 2016. Collection method: clinical testing. Allele origin: germline. Affected: yes.

NM_130837.3(OPA1):c.1728_1734del (p.Glu576fs)

Gene: OPA1 (OPA1 mitochondrial dynamin like GTPase; plus strand). Cytogenetic location: 3q29.
Variant type: Deletion.
Coding change: c.1728_1734del on transcript NM_130837.3 (MANE Select); coding-DNA positions 1728 to 1734, 7 bases deleted (GTTTTTT; older notation c.1728_1734delGTTTTTT).
Protein change: p.Glu576fs; shifts the reading frame from glutamic acid 576.
Molecular consequence: frameshift variant.
Genome position (GRCh38, 1-based): chr3:193,645,774-193,645,780, GTTTTTT deleted. VCF-style (leftmost placement, unchanged base first): chr3-193645773-AGTTTTTT-A. GRCh37 (hg19) VCF-style: chr3-193363562-AGTTTTTT-A.
Other names: c.1194_1200del, p.Glu398fs (NM_001354663.2); c.1191_1197del, p.Glu397fs (NM_001354664.2); c.1563_1569del, p.Glu521fs (NM_015560.3); c.1455_1461del, p.Glu485fs (NM_130831.3); c.1509_1515del, p.Glu503fs (NM_130832.3); c.1566_1572del, p.Glu522fs (NM_130833.3); c.1617_1623del, p.Glu539fs (NM_130834.3); c.1620_1626del, p.Glu540fs (NM_130835.3); and 2 more; short protein forms E397fs, E398fs, E485fs, E503fs, E521fs, E522fs, E539fs, E540fs.
Identifiers: ClinVar variation 1184586 (VCV001184586.4), dbSNP rs2109058985, ClinGen allele CA2499216629.
Genomic context (GRCh38, chr3:193,645,773, plus strand): 5'-ATCATTCTTCCCCAGGGAACAGCTCTGAAAGCATTGAAGCTATAAGAGAATATGAAGAAG[AGTTTTTT>A]CAGAATTCAAAGCTCCTAAAGTAGGTATCTTGTTAAAACATTTAAACATTTTACAGTAAG-3'